The following is an entry in ClinVar:

ClinVar aggregate classification (germline): Uncertain significance (1 of 4 stars; one submission).

Conditions:
Developmental and epileptic encephalopathy, 12 (DEE12). Identifiers: MedGen C3150988, MONDO:0013389, OMIM 613722.

gnomAD v4.1: 1 of 1,612,822 alleles (0.000062%); highest among the groups gnomAD compares: Non-Finnish European, 0.000085%; no homozygotes.

Submission:

Neuberg Centre For Genomic Medicine, NCGM
Classification: Uncertain significance for Developmental and epileptic encephalopathy, 12. Last evaluated: 2023-05-20. Review status: criteria provided, single submitter. Criteria: ACMG Guidelines, 2015. Collection method: clinical testing. Allele origin: germline. Inheritance: Autosomal recessive inheritance. Affected: yes.
Comment: The observed missense variant c.73G>A (p.Gly25Ser) in PLCB1 gene has not been reported previously as a pathogenic variant nor as a benign variant, to our knowledge. The p.Gly25Ser variant is present with an allele frequency of 0.0004% in gnomAD Exomes database. This variant has not been submitted to the ClinVar database. Multiple lines of computational evidence (SIFT - damaging; Polyphen - probably damaging; MutationTaster - disease causing) predict a damaging effect on protein structure and function for this variant. The amino acid change p.Gly25Ser in PLCB1 is predicted as conserved by GERP++ and PhyloP across 100 vertebrates. The amino acid Gly at position 25 is changed to a Ser changing protein sequence and it might alter its composition and physico-chemical properties. For these reasons, this variant has been classified as a Variant of Uncertain Significance (VUS).

NM_015192.4(PLCB1):c.73G>A (p.Gly25Ser)

Gene: PLCB1 (phospholipase C beta 1; plus strand). Cytogenetic location: 20p12.3.
Variant type: single nucleotide variant.
Coding change: c.73G>A on transcript NM_015192.4 (MANE Select); coding-DNA position 73, G replaced by A.
Protein change: p.Gly25Ser; replaces glycine 25 with serine.
Molecular consequence: missense variant.
Genome position (GRCh38, 1-based): chr20:8,132,724, G>A. VCF-style: chr20-8132724-G-A. GRCh37 (hg19) VCF-style: chr20-8113371-G-A.
Other names: c.73G>A, p.Gly25Ser (NM_182734.3); short protein forms G25S.
Identifiers: ClinVar variation 3341306 (VCV003341306.1).